The following is an entry in ClinVar:

NM_000095.3(COMP):c.968A>G (p.Asn323Ser)

Gene: COMP (cartilage oligomeric matrix protein; minus strand). Cytogenetic location: 19p13.11.
Variant type: single nucleotide variant.
Coding change: c.968A>G on transcript NM_000095.3 (MANE Select); coding-DNA position 968, A replaced by G.
Protein change: p.Asn323Ser; replaces asparagine 323 with serine.
Molecular consequence: missense variant.
Genome position (GRCh38, 1-based): chr19:18,788,219, T>C on the plus strand (A>G on the coding strand, the complement: COMP is on the minus strand). VCF-style: chr19-18788219-T-C. GRCh37 (hg19) VCF-style: chr19-18899028-T-C.
Other names: short protein forms N323S.
Identifiers: ClinVar variation 1049010 (VCV001049010.6), dbSNP rs367812050, ClinGen allele CA9316572.

ClinVar aggregate classification (germline): Uncertain significance. Review status: criteria provided, multiple submitters, no conflicts (2 of 4 stars). 4 submissions from 3 submitters: Uncertain significance (2). 2 of the submissions do not count toward it. Last evaluated 2026-01-17.

Conditions:
Pseudoachondroplastic spondyloepiphyseal dysplasia syndrome (PSACH). Also called: PSEUDOACHONDROPLASTIC DYSPLASIA; Pseudoachondroplasia; COMP-Related Pseudoachondroplasia. Identifiers: Orphanet 750, MedGen C0410538, MONDO:0008322, OMIM 177170.
Multiple epiphyseal dysplasia type 1. Also called: COMP-Related Multiple Epiphyseal Dysplasia. Identifiers: Orphanet 93308, MedGen C1838280, MONDO:0007561, OMIM 132400.

Allele frequency attached by ClinVar (database versions not stated): ExAC 0.00003; gnomAD exomes 0.00004; ESP Exome Variant Server 0.00008; 1000 Genomes Project 30x 0.00016; 1000 Genomes Project 0.00020.
gnomAD v4.1: 72 of 1,612,600 alleles (0.0045%); highest among the groups gnomAD compares: Middle Eastern, 0.066%; no homozygotes.

Submissions (4):

Labcorp Genetics (formerly Invitae), Labcorp
Classification: Uncertain significance. Last evaluated: 2026-01-17. Review status: criteria provided, single submitter. Criteria: Invitae Variant Classification Sherloc (09022015). Collection method: clinical testing. Allele origin: germline.
Comment: This sequence change replaces asparagine, which is neutral and polar, with serine, which is neutral and polar, at codon 323 of the COMP protein (p.Asn323Ser). This variant is present in population databases (rs367812050, gnomAD 0.02%). This variant has not been reported in the literature in individuals affected with COMP-related conditions. ClinVar contains an entry for this variant (Variation ID: 1049010). Invitae Evidence Modeling of protein sequence and biophysical properties (such as structural, functional, and spatial information, amino acid conservation, physicochemical variation, residue mobility, and thermodynamic stability) has been performed for this missense variant. However, the output from this modeling did not meet the statistical confidence thresholds required to predict the impact of this variant on COMP protein function. In summary, the available evidence is currently insufficient to determine the role of this variant in disease. Therefore, it has been classified as a Variant of Uncertain Significance.

GeneDx
Classification: Uncertain significance. Last evaluated: 2019-12-23. Review status: criteria provided, single submitter. Criteria: GeneDx Variant Classification Process June 2021. Collection method: clinical testing. Allele origin: germline. Affected: yes.
Comment: In silico analysis, which includes protein predictors and evolutionary conservation, supports a deleterious effect; Has not been previously published as pathogenic or benign to our knowledge

Department of Pathology and Laboratory Medicine, Sinai Health System
Classification: Uncertain significance for Multiple epiphyseal dysplasia type 1. Review status: no assertion criteria provided. Collection method: clinical testing. Allele origin: unknown. Affected: yes. Study: The Canadian Open Genetics Repository (COGR). Not counted in ClinVar's aggregate classification.
Comment: The COMP p.N323S variant was not identified in the literature nor was it identified in ClinVar. The variant was identified in dbSNP (ID: rs367812050) and in control databases in 10 of 249136 chromosomes at a frequency of 0.00004014 (Genome Aggregation Database March 6, 2019, v2.1.1). The p.N323 residue is conserved in mammals and computational analyses (MUT Assesor, PolyPhen-2, SIFT, MutationTaster, Revel, FATHMM, MetaLR, DANN) suggest that the variant may impact the protein; however, this information is not predictive enough to assume pathogenicity. The variant occurs outside of the splicing consensus sequence and in silico or computational prediction software programs (Splice AI exome) do not predict a difference in splicing. In summary, based on the above information the clinical significance of this variant cannot be determined with certainty at this time. This variant is classified as a variant of uncertain significance.

Department of Pathology and Laboratory Medicine, Sinai Health System
Classification: Uncertain significance for Pseudoachondroplastic spondyloepiphyseal dysplasia syndrome. Review status: no assertion criteria provided. Collection method: clinical testing. Allele origin: unknown. Affected: yes. Study: The Canadian Open Genetics Repository (COGR). Not counted in ClinVar's aggregate classification.
Comment: the same text as in the submission from Department of Pathology and Laboratory Medicine, Sinai Health System above.